The following is an entry in ClinVar:

ClinVar aggregate classification (germline): Likely benign. Review status: criteria provided, multiple submitters, no conflicts (2 of 4 stars). 4 submissions from 4 submitters: Likely benign (3). 1 of the submissions does not count toward it. Last evaluated 2026-01-13.

Conditions:
COL3A1-related disorder. Also called: COL3A1-related condition.
Ehlers-Danlos syndrome, type 4 (EDSVASC). Also called: Ehlers-Danlos syndrome vascular type; Ehlers Danlos syndrome, ecchymotic type; Ehlers Danlos syndrome, arterial type; Ehlers Danlos syndrome, Sack-Barabas type; Ehlers-Danlos Syndrome Type IV. Identifiers: Orphanet 286, MedGen C0268338, MONDO:0017314, OMIM 130050.

Allele frequency attached by ClinVar (database versions not stated): TOPMed below 0.00001.

Submissions (4):

Women's Health and Genetics/Laboratory Corporation of America, LabCorp
Classification: Likely benign. Last evaluated: 2026-01-13. Review status: criteria provided, single submitter. Criteria: LabCorp Variant Classification Summary - May 2015. Collection method: clinical testing. Allele origin: germline.

Labcorp Genetics (formerly Invitae), Labcorp
Classification: Likely benign for Ehlers-Danlos syndrome, type 4. Last evaluated: 2023-07-08. Review status: criteria provided, single submitter. Criteria: Invitae Variant Classification Sherloc (09022015). Collection method: clinical testing. Allele origin: germline.

ARUP Laboratories, Molecular Genetics and Genomics, ARUP Laboratories
Classification: Likely benign. Last evaluated: 2016-12-15. Review status: criteria provided, single submitter. Criteria: ARUP Molecular Germline Variant Investigation Process. Collection method: clinical testing. Allele origin: germline.

PreventionGenetics, part of Exact Sciences
Classification: Likely benign for COL3A1-related condition. Last evaluated: 2023-10-29. Review status: no assertion criteria provided. Collection method: clinical testing. Allele origin: germline. Not counted in ClinVar's aggregate classification.
Comment: This variant is classified as likely benign based on ACMG/AMP sequence variant interpretation guidelines (Richards et al. 2015 PMID: 25741868, with internal and published modifications).

NM_000090.4(COL3A1):c.2862A>T (p.Gly954=)

Gene: COL3A1 (collagen type III alpha 1 chain; plus strand). Cytogenetic location: 2q32.2.
Variant type: single nucleotide variant.
Coding change: c.2862A>T on transcript NM_000090.4 (MANE Select); coding-DNA position 2862, A replaced by T.
Protein change: p.Gly954=; no amino-acid change (glycine 954 retained).
Molecular consequence: synonymous variant.
Genome position (GRCh38, 1-based): chr2:189,004,295, A>T. VCF-style: chr2-189004295-A-T. GRCh37 (hg19) VCF-style: chr2-189869021-A-T.
Other names: c.2862A>T (NM_000090.3).
Identifiers: ClinVar variation 439515 (VCV000439515.14), dbSNP rs1377418572, ClinGen allele CA430312218.